The following is an entry in ClinVar:

ClinVar aggregate classification (germline): Likely benign (1 of 4 stars; one submission).

gnomAD v4.1: 36 of 1,612,062 alleles (0.0022%); highest among the groups gnomAD compares: South Asian, 0.0066%; no homozygotes.

Submission:

CeGaT Center for Human Genetics Tuebingen
Classification: Likely benign. Last evaluated: 2026-04-01. Review status: criteria provided, single submitter. Criteria: CeGaT Center For Human Genetics Tuebingen Variant Classification Criteria Version 2. Collection method: clinical testing. Allele origin: germline. Affected: yes. Observed: 1 variant allele.
Comment: RNH1: BP4, BP7

NM_203387.3(RNH1):c.684G>A (p.Ser228=)

Gene: RNH1 (ribonuclease/angiogenin inhibitor 1; minus strand). Cytogenetic location: 11p15.5.
Variant type: single nucleotide variant.
Coding change: c.684G>A on transcript NM_203387.3 (MANE Select); coding-DNA position 684, G replaced by A.
Protein change: p.Ser228=; no amino-acid change (serine 228 retained).
Molecular consequence: synonymous variant.
Genome position (GRCh38, 1-based): chr11:498,864, C>T on the plus strand (G>A on the coding strand, the complement: RNH1 is on the minus strand). VCF-style: chr11-498864-C-T. GRCh37 (hg19) VCF-style: chr11-498864-C-T.
Other names: c.684G>A, p.Ser228= (NM_002939.4, NM_203383.2, NM_203384.2 and 4 more transcripts).
Identifiers: ClinVar variation 4872357 (VCV004872357.2).